The following is an entry in ClinVar:

NM_001447.3(FAT2):c.5514C>A (p.Phe1838Leu)

Genes: FAT2 (FAT atypical cadherin 2; minus strand), SLC36A1 (solute carrier family 36 member 1; plus strand). Cytogenetic location: 5q33.1.
Variant type: single nucleotide variant.
Coding change: c.5514C>A on transcript NM_001447.3 (MANE Select); coding-DNA position 5514, C replaced by A.
Protein change: p.Phe1838Leu; replaces phenylalanine 1838 with leucine.
Molecular consequence: missense variant.
Genome position (GRCh38, 1-based): chr5:151,545,613, G>T on the plus strand (C>A on the coding strand, the complement: FAT2 is on the minus strand). VCF-style: chr5-151545613-G-T. GRCh37 (hg19) VCF-style: chr5-150925174-G-T.
Other names: short protein forms F1838L.
Identifiers: ClinVar variation 1958447 (VCV001958447.5), dbSNP rs1376431808, ClinGen allele CA361842805.

ClinVar aggregate classification (germline): Uncertain significance (1 of 4 stars; one submission).

Allele frequency attached by ClinVar (database versions not stated): gnomAD exomes below 0.00001.
gnomAD v4.1: 3 of 1,614,086 alleles (0.00019%); highest among the groups gnomAD compares: Admixed American, 0.0033%; no homozygotes.

Submission:

Labcorp Genetics (formerly Invitae), Labcorp
Classification: Uncertain significance. Last evaluated: 2022-08-26. Review status: criteria provided, single submitter. Criteria: Invitae Variant Classification Sherloc (09022015). Collection method: clinical testing. Allele origin: germline.
Comment: This sequence change replaces phenylalanine, which is neutral and non-polar, with leucine, which is neutral and non-polar, at codon 1838 of the FAT2 protein (p.Phe1838Leu). This variant is present in population databases (no rsID available, gnomAD 0.006%). This variant has not been reported in the literature in individuals affected with FAT2-related conditions. Algorithms developed to predict the effect of missense changes on protein structure and function are either unavailable or do not agree on the potential impact of this missense change (SIFT: "Deleterious"; PolyPhen-2: "Benign"; Align-GVGD: "Class C15"). In summary, the available evidence is currently insufficient to determine the role of this variant in disease. Therefore, it has been classified as a Variant of Uncertain Significance.